The following is an entry in ClinVar:

ClinVar aggregate classification (germline): Likely benign. Review status: criteria provided, multiple submitters, no conflicts (2 of 4 stars). 4 submissions from 4 submitters: Likely benign (4). Last evaluated 2025-08-29.

Conditions:
Familial thoracic aortic aneurysm and aortic dissection (TAAD). Also called: Thoracic aortic aneurysms and dissections. Identifiers: Orphanet 91387, MedGen C4707243, MONDO:0019625.
Aortic aneurysm, familial thoracic 4 (AAT4). Also called: AORTIC ANEURYSM/AORTIC DISSECTION AND PATENT DUCTUS ARTERIOSUS. Identifiers: MedGen C1851504, MONDO:0007568, OMIM 132900.

Allele frequency attached by ClinVar (database versions not stated): ExAC 0.00001; gnomAD exomes 0.00002; gnomAD 0.00003 and 0.00005; TOPMed 0.00004; ESP Exome Variant Server 0.00008.
gnomAD v4.1: 40 of 1,613,974 alleles (0.0025%); highest among the groups gnomAD compares: Middle Eastern, 0.016%; no homozygotes.

Submissions (4):

Labcorp Genetics (formerly Invitae), Labcorp
Classification: Likely benign for Aortic aneurysm, familial thoracic 4. Last evaluated: 2025-08-29. Review status: criteria provided, single submitter. Criteria: Invitae Variant Classification Sherloc (09022015). Collection method: clinical testing. Allele origin: germline.

All of Us Research Program, National Institutes of Health
Classification: Likely benign for Familial thoracic aortic aneurysm and aortic dissection. Last evaluated: 2023-12-01. Review status: criteria provided, single submitter. Criteria: ACMG Guidelines, 2015. Collection method: clinical testing. Allele origin: germline. Inheritance: Autosomal dominant inheritance. Observed: 4 variant alleles, 4 heterozygotes.
Comment: This study involves interpretation of variants in research participants for the purpose of population health screening. Participant phenotype was not available at the time of variant classification. Additional details can be found in publication PMID: 35346344, PMCID: PMC8962531

Color Diagnostics, LLC DBA Color Health
Classification: Likely benign for Familial thoracic aortic aneurysm and aortic dissection. Last evaluated: 2020-04-07. Review status: criteria provided, single submitter. Criteria: ACMG Guidelines, 2015. Collection method: clinical testing. Allele origin: germline.

Ambry Genetics
Classification: Likely benign for Familial thoracic aortic aneurysm and aortic dissection. Last evaluated: 2017-12-01. Review status: criteria provided, single submitter. Criteria: Ambry Variant Classification Scheme 2023. Collection method: clinical testing. Allele origin: germline.

NM_002474.3(MYH11):c.5733G>A (p.Thr1911=)

Genes: NDE1 (nudE neurodevelopment protein 1; plus strand), MYH11 (myosin heavy chain 11; minus strand). Cytogenetic location: 16p13.11.
Variant type: single nucleotide variant.
Coding change: c.5733G>A on transcript NM_002474.3 (MANE Select); coding-DNA position 5733, G replaced by A.
Protein change: p.Thr1911=; no amino-acid change (threonine 1911 retained).
Molecular consequence: synonymous variant. On other transcripts: intron variant (2).
Genome position (GRCh38, 1-based): chr16:15,714,962, C>T on the plus strand (G>A on the coding strand, the complement: MYH11 is on the minus strand). VCF-style: chr16-15714962-C-T. GRCh37 (hg19) VCF-style: chr16-15808819-C-T.
Other names: c.5754G>A, p.Thr1918= (NM_001040113.2, NM_001040114.2); c.5733G>A, p.Thr1911= (NM_022844.3); c.948-9229C>T (NM_001143979.2, NM_017668.3).
Identifiers: ClinVar variation 519965 (VCV000519965.18), dbSNP rs372173243, ClinGen allele CA7921154.
Genomic context (GRCh38, chr16:15,714,962, plus strand): 5'-TCCTCACCTGAGCTTGCTCTTGAGTGCGTTCACCTCGCGGCCCATGGCCTCGTTGCTCTC[C>T]GTGGCCTCATCCAGCTCCCGCTGCAGCTTCCTGCGGTTGGCGTTGATGCGCTGGGACTCC-3'
Protein context (NP_002465.1, residues 1901-1921): RKLQRELDEA[Thr1911=]ESNEAMGREV